The following is an entry in ClinVar:

NM_001267550.2(TTN):c.52217T>C (p.Leu17406Ser)

Genes: TTN (titin; minus strand), TTN-AS1 (TTN antisense RNA 1; plus strand). Cytogenetic location: 2q31.2.
Variant type: single nucleotide variant.
Coding change: c.52217T>C on transcript NM_001267550.2 (MANE Select); coding-DNA position 52217, T replaced by C.
Protein change: p.Leu17406Ser; replaces leucine 17406 with serine.
Molecular consequence: missense variant.
Genome position (GRCh38, 1-based): chr2:178,608,794, A>G on the plus strand (T>C on the coding strand, the complement: TTN is on the minus strand). VCF-style: chr2-178608794-A-G. GRCh37 (hg19) VCF-style: chr2-179473521-A-G.
Other names: c.47294T>C, p.Leu15765Ser (NM_001256850.1); c.25022T>C, p.Leu8341Ser (NM_003319.4); c.44513T>C, p.Leu14838Ser (NM_133378.4); c.25397T>C, p.Leu8466Ser (NM_133432.3); c.25598T>C, p.Leu8533Ser (NM_133437.4); short protein forms L8341S, L8466S, L17406S, L15765S, L8533S, L14838S.
Identifiers: ClinVar variation 4983728 (VCV004983728.1).

ClinVar aggregate classification (germline): Uncertain significance (1 of 4 stars; one submission).

Conditions:
TTN-related disorder. Also called: TTN-related disorders; TTN-related condition; TTN-related disease.

gnomAD v4.1: 2 of 1,612,540 alleles (0.00012%); highest among the groups gnomAD compares: East Asian, 0.0022%; no homozygotes.

Submission:

PreventionGenetics, part of Exact Sciences
Classification: Uncertain significance for TTN-related condition. Last evaluated: 2025-11-12. Review status: criteria provided, single submitter. Criteria: ACMG Guidelines, 2015. Collection method: clinical testing. Allele origin: germline.
Comment: The TTN c.52217T>C variant is predicted to result in the amino acid substitution p.Leu17406Ser. To our knowledge, this variant has not been reported in the literature or in a large population database (gnomAD), indicating this variant is rare. At this time, the clinical significance of this variant is uncertain due to the absence of conclusive functional and genetic evidence.